The following is an entry in ClinVar:

NM_001853.4(COL9A3):c.893G>C (p.Gly298Ala)

Gene: COL9A3 (collagen type IX alpha 3 chain; plus strand). Cytogenetic location: 20q13.33.
Variant type: single nucleotide variant.
Coding change: c.893G>C on transcript NM_001853.4 (MANE Select); coding-DNA position 893, G replaced by C.
Protein change: p.Gly298Ala; replaces glycine 298 with alanine.
Molecular consequence: missense variant.
Genome position (GRCh38, 1-based): chr20:62,827,969, G>C. VCF-style: chr20-62827969-G-C. GRCh37 (hg19) VCF-style: chr20-61459321-G-C.
Other names: short protein forms G298A.
Identifiers: ClinVar variation 1483820 (VCV001483820.10), dbSNP rs764062674, ClinGen allele CA317332538.

ClinVar aggregate classification (germline): Uncertain significance. Review status: criteria provided, multiple submitters, no conflicts (2 of 4 stars). 3 submissions from 3 submitters: Uncertain significance (3). Last evaluated 2025-10-05.

Allele frequency attached by ClinVar (database versions not stated): gnomAD exomes 0.00002; TOPMed 0.00003.

Submissions (3):

Labcorp Genetics (formerly Invitae), Labcorp
Classification: Uncertain significance. Last evaluated: 2025-10-05. Review status: criteria provided, single submitter. Criteria: Invitae Variant Classification Sherloc (09022015). Collection method: clinical testing. Allele origin: germline.
Comment: This sequence change replaces glycine, which is neutral and non-polar, with alanine, which is neutral and non-polar, at codon 298 of the COL9A3 protein (p.Gly298Ala). This variant is present in population databases (no rsID available, gnomAD 0.0009%). This variant has not been reported in the literature in individuals affected with COL9A3-related conditions. ClinVar contains an entry for this variant (Variation ID: 1483820). Invitae Evidence Modeling of protein sequence and biophysical properties (such as structural, functional, and spatial information, amino acid conservation, physicochemical variation, residue mobility, and thermodynamic stability) indicates that this missense variant is expected to disrupt COL9A3 protein function with a positive predictive value of 95%. In summary, the available evidence is currently insufficient to determine the role of this variant in disease. Therefore, it has been classified as a Variant of Uncertain Significance.

Women's Health and Genetics/Laboratory Corporation of America, LabCorp
Classification: Uncertain significance. Last evaluated: 2023-11-08. Review status: criteria provided, single submitter. Criteria: LabCorp Variant Classification Summary - May 2015. Collection method: clinical testing. Allele origin: germline.
Comment: Variant summary: COL9A3 c.893G>C (p.Gly298Ala) results in a non-conservative amino acid change in the encoded protein sequence. Five of five in-silico tools predict a damaging effect of the variant on protein function. The variant allele was found at a frequency of 1.2e-05 in 250066 control chromosomes. The available data on variant occurrences in the general population are insufficient to allow any conclusion about variant significance. To our knowledge, no occurrence of c.893G>C in individuals affected with Epiphyseal Dysplasia, Multiple, 3 and no experimental evidence demonstrating its impact on protein function have been reported. One submitter has cited clinical-significance assessments for this variant to ClinVar after 2014 and has classified the variant as uncertain significance. Based on the evidence outlined above, the variant was classified as uncertain significance.

Blueprint Genetics
Classification: Uncertain significance. Last evaluated: 2022-08-25. Review status: criteria provided, single submitter. Criteria: ACMG Guidelines, 2015. Collection method: clinical testing. Allele origin: germline.